The following is an entry in ClinVar:

NM_002230.4(JUP):c.114C>A (p.Ser38Arg)

Gene: JUP (junction plakoglobin; minus strand). Cytogenetic location: 17q21.2.
Variant type: single nucleotide variant.
Coding change: c.114C>A on transcript NM_002230.4 (MANE Select); coding-DNA position 114, C replaced by A.
Protein change: p.Ser38Arg; replaces serine 38 with arginine.
Molecular consequence: missense variant.
Genome position (GRCh38, 1-based): chr17:41,771,741, G>T on the plus strand (C>A on the coding strand, the complement: JUP is on the minus strand). VCF-style: chr17-41771741-G-T. GRCh37 (hg19) VCF-style: chr17-39927993-G-T.
Other names: c.114C>A, p.Ser38Arg (NM_001352773.2, NM_001352774.2, NM_001352775.2 and 3 more transcripts); short protein forms S38R.
Identifiers: ClinVar variation 1435316 (VCV001435316.8), dbSNP rs782391511, ClinGen allele CA8565581.

ClinVar aggregate classification (germline): Uncertain significance (1 of 4 stars; one submission).

Conditions:
Arrhythmogenic right ventricular dysplasia 12. Also called: ARRHYTHMOGENIC RIGHT VENTRICULAR DYSPLASIA, FAMILIAL, 12. Identifiers: MedGen C1969081, MONDO:0012684, OMIM 611528.
Naxos disease (NXD). Also called: KERATOSIS PALMOPLANTARIS WITH ARRHYTHMOGENIC CARDIOMYOPATHY; MAL DE NAXOS; CARDIOMYOPATHY, ARRHYTHMOGENIC RIGHT VENTRICULAR, WITH SKIN, HAIR, AND NAIL ABNORMALITIES; PALMOPLANTAR KERATODERMA WITH ARRHYTHMOGENIC RIGHT VENTRICULAR CARDIOMYOPATHY AND WOOLLY HAIR; WOOLLY HAIR, PALMOPLANTAR KERATODERMA, AND CARDIAC ABNORMALITIES. Identifiers: Orphanet 34217, MedGen C1832600, MONDO:0011017, OMIM 601214.

Allele frequency attached by ClinVar (database versions not stated): gnomAD exomes below 0.00001; ExAC 0.00001.

Submission:

Labcorp Genetics (formerly Invitae), Labcorp
Classification: Uncertain significance for Arrhythmogenic right ventricular dysplasia 12; Naxos disease. Last evaluated: 2022-03-08. Review status: criteria provided, single submitter. Criteria: Invitae Variant Classification Sherloc (09022015). Collection method: clinical testing. Allele origin: germline.
Comment: This variant has not been reported in the literature in individuals affected with JUP-related conditions. This variant is present in population databases (rs782391511, gnomAD 0.006%). This sequence change replaces serine, which is neutral and polar, with arginine, which is basic and polar, at codon 38 of the JUP protein (p.Ser38Arg). In summary, the available evidence is currently insufficient to determine the role of this variant in disease. Therefore, it has been classified as a Variant of Uncertain Significance. Algorithms developed to predict the effect of missense changes on protein structure and function (SIFT, PolyPhen-2, Align-GVGD) all suggest that this variant is likely to be tolerated.